The following is an entry in ClinVar:

NM_024652.6(LRRK1):c.908A>G (p.Asn303Ser)

Gene: LRRK1 (leucine rich repeat kinase 1; plus strand). Cytogenetic location: 15q26.3.
Variant type: single nucleotide variant.
Coding change: c.908A>G on transcript NM_024652.6 (MANE Select); coding-DNA position 908, A replaced by G.
Protein change: p.Asn303Ser; replaces asparagine 303 with serine.
Molecular consequence: missense variant.
Genome position (GRCh38, 1-based): chr15:101,008,982, A>G. VCF-style: chr15-101008982-A-G. GRCh37 (hg19) VCF-style: chr15-101549187-A-G.
Other names: c.908A>G (NM_024652.3); short protein forms N303S.
Identifiers: ClinVar variation 2174809 (VCV002174809.9), dbSNP rs776656740, ClinGen allele CA7760726.
Genomic context (GRCh38, chr15:101,008,982, plus strand): 5'-TCGACCTTTCTGCCAACTGCCTGGCGACCCTCCCCTCGGTTATCCCCTGGGGCCTCATCA[A>G]TCTCCGGAAGCTGAACCTCTCCGACAACCACCTGGGGGAGCTGCCTGGCGTGCAGTCATC-3'
Protein context (NP_078928.3, residues 293-313): LPSVIPWGLI[Asn303Ser]LRKLNLSDNH

ClinVar aggregate classification (germline): Conflicting classifications of pathogenicity. Review status: criteria provided, conflicting classifications (1 of 4 stars). 3 submissions from 3 submitters: Uncertain significance (1); Likely benign (2). Last evaluated 2026-01-01.

Conditions:
Inborn genetic diseases. Identifiers: MedGen C0950123, MeSH D030342.

Allele frequency attached by ClinVar (database versions not stated): gnomAD 0.00008; gnomAD exomes 0.00019; ExAC 0.00031; TOPMed 0.00005.
gnomAD v4.1: 292 of 1,614,024 alleles (0.018%); highest among the groups gnomAD compares: South Asian, 0.18%; 4 homozygotes.

Submissions (3):

CeGaT Center for Human Genetics Tuebingen
Classification: Likely benign. Last evaluated: 2026-01-01. Review status: criteria provided, single submitter. Criteria: CeGaT Center For Human Genetics Tuebingen Variant Classification Criteria Version 2. Collection method: clinical testing. Allele origin: germline. Affected: yes. Observed: 1 variant allele.
Comment: LRRK1: BP4

Labcorp Genetics (formerly Invitae), Labcorp
Classification: Likely benign. Last evaluated: 2025-11-23. Review status: criteria provided, single submitter. Criteria: Invitae Variant Classification Sherloc (09022015). Collection method: clinical testing. Allele origin: germline.

Ambry Genetics
Classification: Uncertain significance for Inborn genetic diseases. Last evaluated: 2024-01-03. Review status: criteria provided, single submitter. Criteria: Ambry Variant Classification Scheme 2023. Collection method: clinical testing. Allele origin: germline.